The following is an entry in ClinVar:

ClinVar aggregate classification (germline): Uncertain significance (1 of 4 stars; one submission).

Conditions:
CHARGE syndrome (CHARGE). Also called: Hittner Hirsch Kreh syndrome; CHARGE ASSOCIATION--COLOBOMA, HEART ANOMALY, CHOANAL ATRESIA, RETARDATION, GENITAL AND EAR ANOMALIES; Coloboma, heart anomaly, choanal atresia, retardation, genital and ear anomalies; CHARGE association; Hall-Hittner syndrome. Identifiers: Orphanet 138, MedGen C0265354, MONDO:0008965.

gnomAD v4.1: 7 of 1,613,702 alleles (0.00043%); highest among the groups gnomAD compares: East Asian, 0.011%; no homozygotes.

Submission:

Labcorp Genetics (formerly Invitae), Labcorp
Classification: Uncertain significance for CHARGE syndrome. Last evaluated: 2022-11-29. Review status: criteria provided, single submitter. Criteria: Invitae Variant Classification Sherloc (09022015). Collection method: clinical testing. Allele origin: germline.
Comment: In summary, the available evidence is currently insufficient to determine the role of this variant in disease. Therefore, it has been classified as a Variant of Uncertain Significance. Advanced modeling of protein sequence and biophysical properties (such as structural, functional, and spatial information, amino acid conservation, physicochemical variation, residue mobility, and thermodynamic stability) has been performed at Invitae for this missense variant, however the output from this modeling did not meet the statistical confidence thresholds required to predict the impact of this variant on CHD7 protein function. This variant has not been reported in the literature in individuals affected with CHD7-related conditions. This variant is not present in population databases (gnomAD no frequency). This sequence change replaces arginine, which is basic and polar, with tryptophan, which is neutral and slightly polar, at codon 1939 of the CHD7 protein (p.Arg1939Trp).

NM_017780.4(CHD7):c.5815C>T (p.Arg1939Trp)

Gene: CHD7 (chromodomain helicase DNA binding protein 7; plus strand). Cytogenetic location: 8q12.2.
Variant type: single nucleotide variant.
Coding change: c.5815C>T on transcript NM_017780.4 (MANE Select); coding-DNA position 5815, C replaced by T.
Protein change: p.Arg1939Trp; replaces arginine 1939 with tryptophan.
Molecular consequence: missense variant. On other transcripts: intron variant (1).
Genome position (GRCh38, 1-based): chr8:60,852,168, C>T. VCF-style: chr8-60852168-C-T. GRCh37 (hg19) VCF-style: chr8-61764727-C-T.
Other names: c.1717-10061C>T (NM_001316690.1); short protein forms R1939W.
Identifiers: ClinVar variation 2719347 (VCV002719347.3), dbSNP rs992024213, ClinGen allele CA177353805.